The following is an entry in ClinVar:

NM_177438.3(DICER1):c.2689A>G (p.Met897Val)

Gene: DICER1 (dicer 1, ribonuclease III; minus strand). Cytogenetic location: 14q32.13.
Variant type: single nucleotide variant.
Coding change: c.2689A>G on transcript NM_177438.3 (MANE Select); coding-DNA position 2689, A replaced by G.
Protein change: p.Met897Val; replaces methionine 897 with valine.
Molecular consequence: missense variant.
Genome position (GRCh38, 1-based): chr14:95,107,723, T>C on the plus strand (A>G on the coding strand, the complement: DICER1 is on the minus strand). VCF-style: chr14-95107723-T-C. GRCh37 (hg19) VCF-style: chr14-95574060-T-C.
Other names: c.2689A>G, p.Met897Val (NM_001195573.1, NM_001271282.3, NM_001291628.2 and 1 more transcripts); short protein forms M897V.
Identifiers: ClinVar variation 412070 (VCV000412070.16), dbSNP rs373729361, ClinGen allele CA16614363.

ClinVar aggregate classification (germline): Uncertain significance. Review status: criteria provided, multiple submitters, no conflicts (2 of 4 stars). 3 submissions from 3 submitters: Uncertain significance (3). Last evaluated 2025-11-26.

Conditions:
DICER1-related tumor predisposition. Also called: DICER1-related pleuropulmonary blastoma cancer predisposition syndrome; DICER1 syndrome. Identifiers: Orphanet 284343, MedGen C3839822, MONDO:0100216.
Hereditary cancer-predisposing syndrome. Also called: Hereditary neoplastic syndrome; Neoplastic Syndromes, Hereditary; Tumor predisposition; Hereditary Cancer Syndrome. Identifiers: Orphanet 140162, MedGen C0027672, MeSH D009386, MONDO:0015356.

Allele frequency attached by ClinVar (database versions not stated): gnomAD exomes below 0.00001 and 0.00001; gnomAD 0.00001; TOPMed 0.00002; ESP Exome Variant Server 0.00008.
gnomAD v4.1: 9 of 1,613,968 alleles (0.00056%); highest among the groups gnomAD compares: South Asian, 0.0011%; no homozygotes.

Submissions (3):

Ambry Genetics
Classification: Uncertain significance for Hereditary cancer-predisposing syndrome. Last evaluated: 2025-11-26. Review status: criteria provided, single submitter. Criteria: Ambry Variant Classification Scheme 2023. Collection method: clinical testing. Allele origin: germline.

Labcorp Genetics (formerly Invitae), Labcorp
Classification: Uncertain significance for DICER1-related tumor predisposition. Last evaluated: 2025-11-13. Review status: criteria provided, single submitter. Criteria: Invitae Variant Classification Sherloc (09022015). Collection method: clinical testing. Allele origin: germline.
Comment: This sequence change replaces methionine, which is neutral and non-polar, with valine, which is neutral and non-polar, at codon 897 of the DICER1 protein (p.Met897Val). This variant is not present in population databases (gnomAD no frequency). This variant has not been reported in the literature in individuals affected with DICER1-related conditions. ClinVar contains an entry for this variant (Variation ID: 412070). Invitae Evidence Modeling of protein sequence and biophysical properties (such as structural, functional, and spatial information, amino acid conservation, physicochemical variation, residue mobility, and thermodynamic stability) indicates that this missense variant is not expected to disrupt DICER1 protein function with a negative predictive value of 95%. In summary, the available evidence is currently insufficient to determine the role of this variant in disease. Therefore, it has been classified as a Variant of Uncertain Significance.

Sema4
Classification: Uncertain significance for Hereditary cancer-predisposing syndrome. Last evaluated: 2021-10-26. Review status: criteria provided, single submitter. Criteria: Sema4 Curation Guidelines. Collection method: curation. Allele origin: germline.
Comment: The DICER1 c.2689A>G (p.M897V) variant has not been reported in the literature to our knowledge. It was observed in 1/113606 chromosomes of the European (non-Finnish) subpopulation in the large and broad cohorts of the Genome Aggregation Database (PMID: 32461654). The variant has been reported in ClinVar (Variation ID: 412070). Functional studies have not been performed, and in silico predictions of the variant's effect on protein function are inconclusive. The evidence is insufficient to meet ACMG/AMP criteria for classifying the variant as benign or pathogenic. Thus, the clinical significance of this variant is currently uncertain.